The following is an entry in ClinVar:

ClinVar aggregate classification (germline): Uncertain significance (1 of 4 stars; one submission).

Conditions:
Townes-Brocks syndrome 1 (TBS1). Also called: SALL1-Related Townes-Brocks Syndrome; DEAFNESS, SENSORINEURAL, WITH IMPERFORATE ANUS AND THUMB ANOMALIES; REAR SYNDROME; RENAL-EAR-ANAL-RADIAL SYNDROME. Identifiers: Orphanet 857, MedGen C4551481, MONDO:0054581, OMIM 107480.

gnomAD v4.1: 1 of 1,614,146 alleles (0.000062%); highest among the groups gnomAD compares: Non-Finnish European, 0.000085%; no homozygotes.

Submission:

HudsonAlpha Institute for Biotechnology
Classification: Uncertain significance for Townes-Brocks syndrome 1. Last evaluated: 2020-08-26. Review status: criteria provided, single submitter. Criteria: ACMG Guidelines, 2015. Collection method: research. Allele origin: unknown. Observed: 1 variant allele. Study: CSER-SouthSeq.
Comment: ACMG codes:PM2, PP3

NM_002968.3(SALL1):c.3782C>T (p.Pro1261Leu)

Gene: SALL1 (spalt like transcription factor 1; minus strand). Cytogenetic location: 16q12.1.
Variant type: single nucleotide variant.
Coding change: c.3782C>T on transcript NM_002968.3 (MANE Select); coding-DNA position 3782, C replaced by T.
Protein change: p.Pro1261Leu; replaces proline 1261 with leucine.
Molecular consequence: missense variant.
Genome position (GRCh38, 1-based): chr16:51,137,305, G>A on the plus strand (C>T on the coding strand, the complement: SALL1 is on the minus strand). VCF-style: chr16-51137305-G-A. GRCh37 (hg19) VCF-style: chr16-51171216-G-A.
Other names: c.3491C>T, p.Pro1164Leu (NM_001127892.2); short protein forms P1164L, P1261L.
Identifiers: ClinVar variation 982425 (VCV000982425.1), dbSNP rs376879952, ClinGen allele CA395877967.